The following is an entry in ClinVar:

ClinVar aggregate classification (germline): Pathogenic/Likely pathogenic. Review status: criteria provided, multiple submitters, no conflicts (2 of 4 stars). 20 submissions from 20 submitters: Pathogenic (16); Likely pathogenic (1). 3 of the submissions do not count toward it. Last evaluated 2026-09-17.

Conditions:
FOXL2-related disorders.
FOXL2-related disorder. Also called: FOXL2-related condition.
Premature ovarian failure 3 (POF3). Identifiers: MedGen C1837008, MONDO:0012169, OMIM 608996.
Blepharophimosis, ptosis, and epicanthus inversus syndrome. Identifiers: Orphanet 126, MedGen C0220663, MONDO:0007201, OMIM 110100.

Submissions (20):

PreventionGenetics, part of Exact Sciences
Classification: Pathogenic for FOXL2-related condition. Last evaluated: 2026-09-17. Review status: criteria provided, single submitter. Criteria: ACMG Guidelines, 2015. Collection method: clinical testing. Allele origin: germline.
Comment: The FOXL2 c.843_859dup17 variant is predicted to result in a frameshift and premature protein termination (p.Pro287Argfs*75). This variant is in a known mutational hotspot in the FOXL2 gene and has been reported as causative for autosomal dominant blepharophimosis-ptosis-epicanthus inversus syndrome (BPES) type I and II (reported as 1080-1096dup17 in De Baere et al. 2003. PubMed ID: 12529855; Beysen et al. 2008. PubMed ID: 18642388; Chacón-Camacho et al. 2019. PubMed ID: 31048069). In many of the individuals in these reports, the variant was found to have arisen de novo. This variant is absent in a large population database (gnomAD), indicating this variant is rare. Frameshift variants in FOXL2 are an established mechanism of disease. This variant is interpreted as pathogenic.

Labcorp Genetics (formerly Invitae), Labcorp
Classification: Pathogenic. Last evaluated: 2025-12-15. Review status: criteria provided, single submitter. Criteria: Invitae Variant Classification Sherloc (09022015). Collection method: clinical testing. Allele origin: germline.
Comment: This sequence change creates a premature translational stop signal (p.Pro287Argfs*75) in the FOXL2 gene. While this is not anticipated to result in nonsense mediated decay, it is expected to disrupt the last 90 amino acid(s) of the FOXL2 protein. The frequency data for this variant in the population databases is considered unreliable, as metrics indicate insufficient coverage at this position in the gnomAD database. This premature translational stop signal has been observed in individual(s) with blepharophimosis-ptosis-epicanthus inversus syndrome (PMID: 12529855, 31048069). In at least one individual the variant was observed to be de novo. It has also been observed to segregate with disease in related individuals. This variant is also known as 1080-1096dup17. ClinVar contains an entry for this variant (Variation ID: 162045). For these reasons, this variant has been classified as Pathogenic.

GeneDx
Classification: Pathogenic. Last evaluated: 2025-04-22. Review status: criteria provided, single submitter. Criteria: GeneDx Variant Classification Process June 2021. Collection method: clinical testing. Allele origin: germline. Affected: yes.
Comment: Frameshift variant predicted to result in abnormal protein length as the last 90 amino acid(s) are replaced with 74 different amino acid(s), and other similar variants have been reported in HGMD; Not observed at significant frequency in large population cohorts (gnomAD); This variant is associated with the following publications: (PMID: 31048069, 19515849, 18635577, 12529855, 20301614, 31077882, 36338666)

Blueprint Genetics
Classification: Pathogenic for FOXL2-related disorders. Last evaluated: 2024-09-02. Review status: criteria provided, single submitter. Criteria: ACMG Guidelines, 2015. Collection method: clinical testing. Allele origin: germline. Affected: yes. Observed: 5 variant alleles.

Equipe Genetique des Anomalies du Developpement, Université de Bourgogne
Classification: Pathogenic for Blepharophimosis, ptosis, and epicanthus inversus syndrome. Last evaluated: 2024-03-26. Review status: criteria provided, single submitter. Criteria: ACMG Guidelines, 2015. Collection method: clinical testing. Allele origin: germline. Affected: yes.

Molecular Genetics and NGS Laboratory, Hospital Fundacion Valle Del Lili
Classification: Likely pathogenic for Premature ovarian failure 3. Last evaluated: 2023-11-13. Review status: criteria provided, single submitter. Criteria: ACMG Guidelines, 2015. Collection method: clinical testing. Allele origin: germline. Affected: yes. Observed: 1 variant allele.

CeGaT Center for Human Genetics Tuebingen
Classification: Pathogenic. Last evaluated: 2023-09-01. Review status: criteria provided, single submitter. Criteria: CeGaT Center For Human Genetics Tuebingen Variant Classification Criteria Version 2. Collection method: clinical testing. Allele origin: germline. Affected: yes. Observed: 3 variant alleles.
Comment: FOXL2: PVS1, PM2, PS4:Supporting

Greenwood Genetic Center Diagnostic Laboratories, Greenwood Genetic Center
Classification: Pathogenic for Blepharophimosis, ptosis, and epicanthus inversus syndrome. Last evaluated: 2022-11-29. Review status: criteria provided, single submitter. Criteria: ACMG Guidelines, 2015. Collection method: clinical testing. Allele origin: germline. Affected: yes.
Comment: PVS1, PS4, PM2, PM6

Revvity Omics, Revvity
Classification: Pathogenic. Last evaluated: 2022-09-27. Review status: criteria provided, single submitter. Criteria: ACMG Guidelines, 2015. Collection method: clinical testing. Allele origin: germline.

MGZ Medical Genetics Center
Classification: Pathogenic for Blepharophimosis, ptosis, and epicanthus inversus syndrome. Last evaluated: 2022-03-10. Review status: criteria provided, single submitter. Criteria: ACMG Guidelines, 2015. Collection method: clinical testing. Allele origin: germline. Affected: yes. Observed: 1 variant allele.
Comment: ACMG criteria applied: PVS1, PS4, PM1, PP1_MOD, PM2_SUP

Victorian Clinical Genetics Services, Murdoch Childrens Research Institute
Classification: Pathogenic for Blepharophimosis, ptosis, and epicanthus inversus syndrome. Last evaluated: 2020-10-15. Review status: criteria provided, single submitter. Criteria: ACMG Guidelines, 2015. Collection method: clinical testing. Allele origin: germline. Inheritance: Autosomal dominant inheritance.
Comment: Based on the classification scheme VCGS_Germline_v1.3.3, this variant is classified as Pathogenic. Following criteria are met: 0103 - Dominant negative and loss of function are suggested mechanisms of disease in this gene and are associated with both Type I and II BPES (MIM# 110100). Depending on the assay, both mechanisms have been demonstrated for a given variant (PMID: 18635577, 19515849). (I) 0107 - This gene is associated with autosomal dominant disease with a single family reported for autosomal inheritance (OMIM). (I) 0115 - Variants in this gene are known to have variable expressivity (PMID: 12529855). (I) 0205 - Variant is predicted to result in a truncated protein. The premature termination codon is NOT located at least 54 nucleotides upstream of the final exon-exon junction with less than 1/3 of the protein sequence affected. (SP) 0251 - This variant is heterozygous. (I) 0301 - Variant is absent from gnomAD (both v2 and v3). (SP) 0604 - Variant is not affecting an established domain, motif, hotspot or informative constraint region. (I) 0701 - Other downstream truncating variants comparable to the one identified in this case have very strong previous evidence for pathogenicity (ClinVar). (SP) 0801 - This variant has strong previous evidence of pathogenicity in unrelated individuals with both Type I and Type II blepharophimosis, epicanthus inversus, and ptosis (BPES) with or without premature ovarian insufficiency, respectively (MIM# 110100) and is considered as a recurrent variant (ClinVar; PMID: 31077882). (SP) 1208 - Inheritance information for this variant is not currently available in this individual. (I) Legend: (SP) - Supporting pathogenic, (I) - Information, (SB) - Supporting benign

Genomic Research Center, Shahid Beheshti University of Medical Sciences
Classification: Pathogenic for Blepharophimosis, ptosis, and epicanthus inversus syndrome. Last evaluated: 2020-05-03. Review status: criteria provided, single submitter. Criteria: ACMG Guidelines, 2015. Collection method: clinical testing. Allele origin: unknown. Affected: yes.

Institute of Human Genetics Munich, TUM University Hospital
Classification: Pathogenic for Blepharophimosis, ptosis, and epicanthus inversus syndrome. Last evaluated: 2018-07-02. Review status: criteria provided, single submitter. Criteria: Classification criteria August 2017. Collection method: clinical testing. Allele origin: germline, paternal. Inheritance: Autosomal dominant inheritance. Affected: yes. Observed: 2 heterozygotes.

Wessex Regional Genetics Laboratory, Salisbury District Hospital
Classification: Pathogenic for Blepharophimosis, ptosis, and epicanthus inversus syndrome. Last evaluated: 2018-01-01. Review status: criteria provided, single submitter. Criteria: ACMG Guidelines, 2015. Collection method: clinical testing. Allele origin: paternal, unknown, de novo. Inheritance: Autosomal dominant inheritance. Affected: yes. Observed: 19 variant alleles.

Genomic Diagnostic Laboratory, Division of Genomic Diagnostics, Children's Hospital of Philadelphia
Classification: Pathogenic for Blepharophimosis, ptosis, and epicanthus inversus syndrome. Last evaluated: 2016-11-03. Review status: criteria provided, single submitter. Criteria: DGD Variant Analysis Guidelines. Collection method: clinical testing. Allele origin: germline. Affected: yes. Observed: 26 variant alleles.
Comment: Clinical Testing

Juno Genomics, Hangzhou Juno Genomics, Inc
Classification: Pathogenic for Blepharophimosis, ptosis, and epicanthus inversus syndrome; Premature ovarian failure 3. Review status: criteria provided, single submitter. Criteria: ACMG Guidelines, 2015. Collection method: clinical testing. Allele origin: germline. Affected: yes.
Comment: Null variant in a gene where loss of function (LOF) is a known mechanism of disease.;The prevalence of the variant in affected individuals is significantly increased compared to the prevalence in controls.;Patient's phenotype or family history is highly specific for a disease with a single genetic etiology.;Assumed de novo, but without confirmation of paternity and maternity.;Co-segregation with disease in multiple affected family members.;Absent from controls (or at extremely low frequency if recessive) in Genome Aggregation Database.

Suma Genomics
Classification: Pathogenic for Blepharophimosis, ptosis, and epicanthus inversus syndrome. Review status: criteria provided, single submitter. Criteria: ACMG Guidelines, 2015. Collection method: clinical testing. Allele origin: de novo. Inheritance: Autosomal dominant inheritance. Affected: yes.

Zotz-Klimas Genetics Lab, MVZ Zotz Klimas
Classification: Pathogenic for Blepharophimosis, ptosis, and epicanthus inversus syndrome. Last evaluated: 2023-10-09. Review status: no assertion criteria provided. Collection method: clinical testing. Allele origin: germline. Affected: yes. Not counted in ClinVar's aggregate classification.

Center for Medical Genetics Ghent, University of Ghent
Classification: Pathogenic for BPES. Last evaluated: 2010-02-12. Review status: no assertion criteria provided. Collection method: clinical testing. Allele origin: germline. Affected: yes. Not counted in ClinVar's aggregate classification.

GeneReviews
No classification provided. Condition: Blepharophimosis, ptosis, and epicanthus inversus syndrome. Review status: no classification provided. Collection method: literature only. Allele origin: germline. Affected: yes. Not counted in ClinVar's aggregate classification.

Literature cited by the submitters: PubMed 12529855 (cited by Labcorp Genetics (formerly Invitae), Labcorp and Victorian Clinical Genetics Services, Murdoch Childrens Research Institute); PubMed 31048069 (cited by Labcorp Genetics (formerly Invitae), Labcorp); PubMed 18635577 (cited by Victorian Clinical Genetics Services, Murdoch Childrens Research Institute); PubMed 19515849 (cited by Victorian Clinical Genetics Services, Murdoch Childrens Research Institute); PubMed 31077882 (cited by Victorian Clinical Genetics Services, Murdoch Childrens Research Institute); NCBI Bookshelf NBK1441 (cited by GeneReviews).

NM_023067.4(FOXL2):c.843_859dup (p.Pro287fs)

Gene: FOXL2 (forkhead box L2; minus strand). Cytogenetic location: 3q22.3.
Variant type: Duplication.
Coding change: c.843_859dup on transcript NM_023067.4 (MANE Select); coding-DNA positions 843 to 859, 17 bases duplicated (GGCCGCACCCCCGCCTC).
Protein change: p.Pro287fs; shifts the reading frame from proline 287.
Molecular consequence: frameshift variant.
Genome position (GRCh38, 1-based): chr3:138,945,864-138,945,880, GAGGCGGGGGTGCGGCC duplicated on the plus strand (GGCCGCACCCCCGCCTC on the coding strand, the reverse complement: FOXL2 is on the minus strand); duplicating any 17 consecutive bases within chr3:138,945,864-138,945,881 gives the same sequence; the c. name uses the placement nearest the transcript's 3' end. VCF-style (leftmost placement, unchanged base first): chr3-138945863-G-GGAGGCGGGGGTGCGGCC. GRCh37 (hg19) VCF-style: chr3-138664705-G-GGAGGCGGGGGTGCGGCC.
Other names: short protein forms P287fs.
Identifiers: ClinVar variation 162045 (VCV000162045.66), dbSNP rs672601359, ClinGen allele CA346063.
Genomic context (GRCh38, chr3:138,945,863, plus strand): 5'-GGCGGCGGTGCGGCGGCCGCGTGCAGATGGTGTGCGTGCGGATGCGGGTGGGGGTGCGGC[G>GGAGGCGGGGGTGCGGCC]GAGGCGGGGGTGCGGCCGGCGGGCCTCCCAGGCCATTGTACGAGTTCACTACGCCGGGGG-3'